The following is an entry in ClinVar:

NM_017763.6(RNF43):c.172A>T (p.Thr58Ser)

Gene: RNF43 (ring finger protein 43; minus strand). Cytogenetic location: 17q22.
Variant type: single nucleotide variant.
Coding change: c.172A>T on transcript NM_017763.6 (MANE Select); coding-DNA position 172, A replaced by T.
Protein change: p.Thr58Ser; replaces threonine 58 with serine.
Molecular consequence: missense variant.
Genome position (GRCh38, 1-based): chr17:58,415,406, T>A on the plus strand (A>T on the coding strand, the complement: RNF43 is on the minus strand). VCF-style: chr17-58415406-T-A. GRCh37 (hg19) VCF-style: chr17-56492767-T-A.
Other names: c.172A>T (NM_017763.4); c.172A>T, p.Thr58Ser (NM_001305544.3); short protein forms T58S.
Identifiers: ClinVar variation 1008552 (VCV001008552.9), dbSNP rs142864107, ClinGen allele CA8673504.
Genomic context (GRCh38, chr17:58,415,406, plus strand): 5'-CTGGAGTTATTTCAGCAACACCAGCAAACACACCTTCCAAAGTGAGATTCAGTTTTCCTG[T>A]GGGGTCCATTTTCAAGGGGATCACTCTGATAATAGCTTTCTGTTCTGCTGATCTTTCAGA-3'
Protein context (NP_060233.3, residues 48-68): IRVIPLKMDP[Thr58Ser]GKLNLTLEGV

ClinVar aggregate classification (germline): Conflicting classifications of pathogenicity. Review status: criteria provided, conflicting classifications (1 of 4 stars). 3 submissions from 3 submitters: Uncertain significance (2); Likely benign (1). Last evaluated 2026-01-11.

Conditions:
Sessile serrated polyposis cancer syndrome (SSPCS). Identifiers: Orphanet 157798, MedGen C4310714, MONDO:0014919, OMIM 617108.

Allele frequency attached by ClinVar (database versions not stated): TOPMed 0.00001; 1000 Genomes Project 30x 0.00016.
gnomAD v4.1: 138 of 1,614,192 alleles (0.0085%); highest among the groups gnomAD compares: East Asian, 0.3%; no homozygotes.

Submissions (3):

Labcorp Genetics (formerly Invitae), Labcorp
Classification: Uncertain significance. Last evaluated: 2026-01-11. Review status: criteria provided, single submitter. Criteria: Invitae Variant Classification Sherloc (09022015). Collection method: clinical testing. Allele origin: germline.
Comment: This sequence change replaces threonine, which is neutral and polar, with serine, which is neutral and polar, at codon 58 of the RNF43 protein (p.Thr58Ser). This variant is present in population databases (rs142864107, gnomAD 0.07%), and has an allele count higher than expected for a pathogenic variant. This variant has not been reported in the literature in individuals affected with RNF43-related conditions. ClinVar contains an entry for this variant (Variation ID: 1008552). An algorithm developed to predict the effect of missense changes on protein structure and function (PolyPhen-2) suggests that this variant is likely to be disruptive. In summary, the available evidence is currently insufficient to determine the role of this variant in disease. Therefore, it has been classified as a Variant of Uncertain Significance.

Ambry Genetics
Classification: Likely benign. Last evaluated: 2024-12-20. Review status: criteria provided, single submitter. Criteria: Ambry Variant Classification Scheme 2023. Collection method: clinical testing. Allele origin: germline.

Baylor Genetics
Classification: Uncertain significance for Sessile serrated polyposis cancer syndrome. Last evaluated: 2024-01-20. Review status: criteria provided, single submitter. Criteria: ACMG Guidelines, 2015. Collection method: clinical testing. Allele origin: unknown.